The following is an entry in ClinVar:

NM_001278512.2(AP3B2):c.1291C>T (p.Gln431Ter)

Genes: AP3B2 (adaptor related protein complex 3 subunit beta 2; minus strand), CPEB1-AS1 (CPEB1 antisense RNA 1; plus strand). Cytogenetic location: 15q25.2.
Variant type: single nucleotide variant.
Coding change: c.1291C>T on transcript NM_001278512.2 (MANE Select); coding-DNA position 1291, C replaced by T.
Protein change: p.Gln431Ter; replaces glutamine 431 with a stop codon.
Molecular consequence: nonsense.
Genome position (GRCh38, 1-based): chr15:82,677,758, G>A on the plus strand (C>T on the coding strand, the complement: AP3B2 is on the minus strand). VCF-style: chr15-82677758-G-A. GRCh37 (hg19) VCF-style: chr15-83346510-G-A.
Other names: c.1195C>T, p.Gln399Ter (NM_001278511.2); c.1291C>T, p.Gln431Ter (NM_004644.5); short protein forms Q399*, Q431*.
Identifiers: ClinVar variation 2098019 (VCV002098019.4), dbSNP rs2548708646, ClinGen allele CA393316937.
Genomic context (GRCh38, chr15:82,677,758, plus strand): 5'-GGCCATTGAGGCAGGTGTCACGGACTCGGCCGATGTTAGTTGCACAGCGTCCAATGGCCT[G>A]GATTGTGGCTGCCACAAAGTCCTTGTCCATGCTGCGAATATAGGTCTGTGGGATATGACA-3'

ClinVar aggregate classification (germline): Pathogenic (1 of 4 stars; one submission).

Submission:

Labcorp Genetics (formerly Invitae), Labcorp
Classification: Pathogenic. Last evaluated: 2022-02-17. Review status: criteria provided, single submitter. Criteria: Invitae Variant Classification Sherloc (09022015). Collection method: clinical testing. Allele origin: germline.
Comment: This sequence change creates a premature translational stop signal (p.Gln431*) in the AP3B2 gene. It is expected to result in an absent or disrupted protein product. Loss-of-function variants in AP3B2 are known to be pathogenic (PMID: 27889060). This variant is not present in population databases (gnomAD no frequency). This variant has not been reported in the literature in individuals affected with AP3B2-related conditions. Algorithms developed to predict the effect of sequence changes on RNA splicing suggest that this variant is not likely to affect RNA splicing. For these reasons, this variant has been classified as Pathogenic.

Literature cited by the submitters: PubMed 27889060.